The following is an entry in ClinVar:

NM_000755.5(CRAT):c.445T>A (p.Phe149Ile)

Gene: CRAT (carnitine O-acetyltransferase; minus strand). Cytogenetic location: 9q34.11.
Variant type: single nucleotide variant.
Coding change: c.445T>A on transcript NM_000755.5 (MANE Select); coding-DNA position 445, T replaced by A.
Protein change: p.Phe149Ile; replaces phenylalanine 149 with isoleucine.
Molecular consequence: missense variant.
Genome position (GRCh38, 1-based): chr9:129,103,032, A>T on the plus strand (T>A on the coding strand, the complement: CRAT is on the minus strand). VCF-style: chr9-129103032-A-T. GRCh37 (hg19) VCF-style: chr9-131865311-A-T.
Other names: c.382T>A, p.Phe128Ile (NM_001257363.3, NM_001346548.2, NM_004003.4); c.448T>A, p.Phe150Ile (NM_001346546.2); c.445T>A, p.Phe149Ile (NM_001346547.2); c.325T>A, p.Phe109Ile (NM_001346549.2); short protein forms F128I, F150I, F149I, F109I.
Identifiers: ClinVar variation 4781992 (VCV004781992.1).
Genomic context (GRCh38, chr9:129,103,032, plus strand): 5'-CCTGGGCAGGTGTGGGGCTGGGCAGGGGTGGGGATGCTCACTTGTCAATCATGACCTTGA[A>T]ATCCAACACACCCTCAATGAGTTTGGCAGCAAATCTGGAAAGATTGATTAGAGATTAGAA-3'
Protein context (NP_000746.3, residues 139-159): AAKLIEGVLD[Phe149Ile]KVMIDNETLP

ClinVar aggregate classification (germline): Uncertain significance (1 of 4 stars; one submission).

Submission:

Labcorp Genetics (formerly Invitae), Labcorp
Classification: Uncertain significance. Last evaluated: 2025-08-13. Review status: criteria provided, single submitter. Criteria: Invitae Variant Classification Sherloc (09022015). Collection method: clinical testing. Allele origin: germline.
Comment: This sequence change replaces phenylalanine, which is neutral and non-polar, with isoleucine, which is neutral and non-polar, at codon 149 of the CRAT protein (p.Phe149Ile). This variant is not present in population databases (gnomAD no frequency). This variant has not been reported in the literature in individuals affected with CRAT-related conditions. Invitae Evidence Modeling of protein sequence and biophysical properties (such as structural, functional, and spatial information, amino acid conservation, physicochemical variation, residue mobility, and thermodynamic stability) indicates that this missense variant is not expected to disrupt CRAT protein function with a negative predictive value of 80%. In summary, the available evidence is currently insufficient to determine the role of this variant in disease. Therefore, it has been classified as a Variant of Uncertain Significance.